The following is an entry in ClinVar:

ClinVar aggregate classification (germline): Pathogenic (1 of 4 stars; one submission).

Conditions:
Primary ciliary dyskinesia. Also called: Ciliary dyskinesia. Identifiers: Orphanet 244, MedGen C0008780, MONDO:0016575, HP:0012265.

Submission:

Labcorp Genetics (formerly Invitae), Labcorp
Classification: Pathogenic for Primary ciliary dyskinesia. Last evaluated: 2023-04-08. Review status: criteria provided, single submitter. Criteria: Invitae Variant Classification Sherloc (09022015). Collection method: clinical testing. Allele origin: germline.
Comment: This sequence change creates a premature translational stop signal (p.Trp1941*) in the DNAH11 gene. It is expected to result in an absent or disrupted protein product. Loss-of-function variants in DNAH11 are known to be pathogenic (PMID: 18022865, 20513915, 22184204). For these reasons, this variant has been classified as Pathogenic. This variant has not been reported in the literature in individuals affected with DNAH11-related conditions. This variant is not present in population databases (gnomAD no frequency).

Literature cited by the submitters: PubMed 18022865; PubMed 20513915; PubMed 22184204.

NM_001277115.2(DNAH11):c.5822G>A (p.Trp1941Ter)

Gene: DNAH11 (dynein axonemal heavy chain 11; plus strand). Cytogenetic location: 7p15.3.
Variant type: single nucleotide variant.
Coding change: c.5822G>A on transcript NM_001277115.2 (MANE Select); coding-DNA position 5822, G replaced by A.
Protein change: p.Trp1941Ter; replaces tryptophan 1941 with a stop codon.
Molecular consequence: nonsense.
Genome position (GRCh38, 1-based): chr7:21,687,425, G>A. VCF-style: chr7-21687425-G-A. GRCh37 (hg19) VCF-style: chr7-21727043-G-A.
Other names: c.5843G>A, p.Trp1948Ter (NM_003777.3); short protein forms W1941*, W1948*.
Identifiers: ClinVar variation 2803272 (VCV002803272.3), dbSNP rs779535145, ClinGen allele CA366949630.